The following is an entry in ClinVar:

ClinVar aggregate classification (germline): Likely pathogenic (1 of 4 stars; one submission).

Conditions:
Primary ciliary dyskinesia. Also called: Ciliary dyskinesia. Identifiers: Orphanet 244, MedGen C0008780, MONDO:0016575, HP:0012265.

gnomAD v4.1: 143 of 1,610,822 alleles (0.0089%); highest among the groups gnomAD compares: Non-Finnish European, 0.012%; no homozygotes.

Submission:

Department of Human Genetics, Hannover Medical School
Classification: Likely pathogenic for Primary Ciliary Dyskinesia. Last evaluated: 2026-04-01. Review status: criteria provided, single submitter. Criteria: ACMG Guidelines, 2015. Collection method: research. Allele origin: germline. Affected: no.
Comment: Classification performed by HerediClassify using the following criteria:['PM2_supporting: Variant occures does not occur as homozygous in gnomAD.', 'PVS1_protein_very_strong: Transcript ENST00000221132 is predicted to undergo NMD.']

NM_003844.4(TNFRSF10A):c.837T>A (p.Cys279Ter)

Gene: TNFRSF10A (TNF receptor superfamily member 10a; minus strand). Cytogenetic location: 8p21.3.
Variant type: single nucleotide variant.
Coding change: c.837T>A on transcript NM_003844.4 (MANE Select); coding-DNA position 837, T replaced by A.
Protein change: p.Cys279Ter; replaces cysteine 279 with a stop codon.
Molecular consequence: nonsense.
Genome position (GRCh38, 1-based): chr8:23,199,443, A>T on the plus strand (T>A on the coding strand, the complement: TNFRSF10A is on the minus strand). VCF-style: chr8-23199443-A-T. GRCh37 (hg19) VCF-style: chr8-23056956-A-T.
Other names: short protein forms C279*.
Identifiers: ClinVar variation 4880146 (VCV004880146.1).